The following is an entry in ClinVar:

NM_001369268.1(ACAN):c.124C>G (p.Leu42Val)

Gene: ACAN (aggrecan; plus strand). Cytogenetic location: 15q26.1.
Variant type: single nucleotide variant.
Coding change: c.124C>G on transcript NM_001369268.1 (MANE Select); coding-DNA position 124, C replaced by G.
Protein change: p.Leu42Val; replaces leucine 42 with valine.
Molecular consequence: missense variant.
Genome position (GRCh38, 1-based): chr15:88,838,716, C>G. VCF-style: chr15-88838716-C-G. GRCh37 (hg19) VCF-style: chr15-89381947-C-G.
Other names: c.124C>G, p.Leu42Val (NM_001135.4, NM_001411096.1, NM_001411097.1 and 1 more transcripts); short protein forms L42V.
Identifiers: ClinVar variation 4701924 (VCV004701924.1).

ClinVar aggregate classification (germline): Uncertain significance (1 of 4 stars; one submission).

gnomAD v4.1: 4 of 1,610,108 alleles (0.00025%); highest among the groups gnomAD compares: Non-Finnish European, 0.00025%; no homozygotes.

Submission:

Labcorp Genetics (formerly Invitae), Labcorp
Classification: Uncertain significance. Last evaluated: 2025-04-22. Review status: criteria provided, single submitter. Criteria: Invitae Variant Classification Sherloc (09022015). Collection method: clinical testing. Allele origin: germline.
Comment: This sequence change replaces leucine, which is neutral and non-polar, with valine, which is neutral and non-polar, at codon 42 of the ACAN protein (p.Leu42Val). This variant is not present in population databases (gnomAD no frequency). This variant has not been reported in the literature in individuals affected with ACAN-related conditions. Invitae Evidence Modeling of protein sequence and biophysical properties (such as structural, functional, and spatial information, amino acid conservation, physicochemical variation, residue mobility, and thermodynamic stability) indicates that this missense variant is not expected to disrupt ACAN protein function with a negative predictive value of 80%. In summary, the available evidence is currently insufficient to determine the role of this variant in disease. Therefore, it has been classified as a Variant of Uncertain Significance.